The following is an entry in ClinVar:

ClinVar aggregate classification (germline): Uncertain significance. Review status: criteria provided, multiple submitters, no conflicts (2 of 4 stars). 2 submissions from 2 submitters: Uncertain significance (2). Last evaluated 2025-06-18.

Allele frequency attached by ClinVar (database versions not stated): gnomAD 0.00001; ESP Exome Variant Server 0.00008; TOPMed 0.00009; ExAC 0.00010.
gnomAD v4.1: 42 of 1,554,642 alleles (0.0027%); highest among the groups gnomAD compares: Admixed American, 0.074%; no homozygotes.

Submissions (2):

Labcorp Genetics (formerly Invitae), Labcorp
Classification: Uncertain significance. Last evaluated: 2025-06-18. Review status: criteria provided, single submitter. Criteria: Invitae Variant Classification Sherloc (09022015). Collection method: clinical testing. Allele origin: germline.
Comment: This sequence change replaces leucine, which is neutral and non-polar, with methionine, which is neutral and non-polar, at codon 140 of the NDUFB10 protein (p.Leu140Met). This variant is present in population databases (rs373787740, gnomAD 0.1%), and has an allele count higher than expected for a pathogenic variant. This variant has not been reported in the literature in individuals affected with NDUFB10-related conditions. ClinVar contains an entry for this variant (Variation ID: 2037479). An algorithm developed to predict the effect of missense changes on protein structure and function (PolyPhen-2) suggests that this variant is likely to be disruptive. In summary, the available evidence is currently insufficient to determine the role of this variant in disease. Therefore, it has been classified as a Variant of Uncertain Significance.

Ambry Genetics
Classification: Uncertain significance. Last evaluated: 2021-09-16. Review status: criteria provided, single submitter. Criteria: Ambry Variant Classification Scheme 2023. Collection method: clinical testing. Allele origin: germline.

NM_004548.3(NDUFB10):c.418C>A (p.Leu140Met)

Gene: NDUFB10 (NADH:ubiquinone oxidoreductase subunit B10; plus strand). Cytogenetic location: 16p13.3.
Variant type: single nucleotide variant.
Coding change: c.418C>A on transcript NM_004548.3 (MANE Select); coding-DNA position 418, C replaced by A.
Protein change: p.Leu140Met; replaces leucine 140 with methionine.
Molecular consequence: missense variant.
Genome position (GRCh38, 1-based): chr16:1,961,805, C>A. VCF-style: chr16-1961805-C-A. GRCh37 (hg19) VCF-style: chr16-2011806-C-A.
Other names: short protein forms L140M.
Identifiers: ClinVar variation 2037479 (VCV002037479.5), dbSNP rs373787740, ClinGen allele CA7823398.